The following is an entry in ClinVar:

ClinVar aggregate classification (germline): Uncertain significance (1 of 4 stars; one submission).

Submission:

Labcorp Genetics (formerly Invitae), Labcorp
Classification: Uncertain significance. Last evaluated: 2019-09-07. Review status: criteria provided, single submitter. Criteria: Invitae Variant Classification Sherloc (09022015). Collection method: clinical testing. Allele origin: germline.
Comment: In summary, the available evidence is currently insufficient to determine the role of this variant in disease. Therefore, it has been classified as a Variant of Uncertain Significance. Algorithms developed to predict the effect of sequence changes on RNA splicing suggest that this variant may disrupt the consensus splice site, but this prediction has not been confirmed by published transcriptional studies. This variant has not been reported in the literature in individuals with CDH3-related conditions. This variant is not present in population databases (ExAC no frequency). This sequence change falls in intron 7 of the CDH3 gene. It does not directly change the encoded amino acid sequence of the CDH3 protein.

NM_001793.6(CDH3):c.868-6C>G

Gene: CDH3 (cadherin 3; plus strand). Cytogenetic location: 16q22.1.
Variant type: single nucleotide variant.
Coding change: c.868-6C>G on transcript NM_001793.6 (MANE Select); 6 bases into the intron before coding-DNA position 868, C replaced by G.
Molecular consequence: intron variant.
Genome position (GRCh38, 1-based): chr16:68,680,962, C>G. VCF-style: chr16-68680962-C-G. GRCh37 (hg19) VCF-style: chr16-68714865-C-G.
Other names: c.703-6C>G (NM_001317196.2); c.868-6C>G (NM_001317195.3).
Identifiers: ClinVar variation 936542 (VCV000936542.9), dbSNP rs1404485824, ClinGen allele CA1139664733.